The following is an entry in ClinVar:

ClinVar aggregate classification (germline): Uncertain significance. Review status: criteria provided, multiple submitters, no conflicts (2 of 4 stars). 2 submissions from 2 submitters: Uncertain significance (2). Last evaluated 2024-07-05.

Conditions:
Inborn genetic diseases. Identifiers: MedGen C0950123, MeSH D030342.
Glycogen storage disease due to muscle beta-enolase deficiency (GSD13). Also called: ENOLASE 3 DEFICIENCY; ENOLASE-BETA DEFICIENCY; GSD XIII; Glycogen Storage Disease Type XIII. Identifiers: Orphanet 99849, MedGen C2752027, MONDO:0013046, OMIM 612932.

Allele frequency attached by ClinVar (database versions not stated): ExAC 0.00004.
gnomAD v4.1: 30 of 1,614,224 alleles (0.0019%); highest among the groups gnomAD compares: East Asian, 0.06%; no homozygotes.

Submissions (2):

Ambry Genetics
Classification: Uncertain significance for Inborn genetic diseases. Last evaluated: 2024-07-05. Review status: criteria provided, single submitter. Criteria: Ambry Variant Classification Scheme 2023. Collection method: clinical testing. Allele origin: germline.

Labcorp Genetics (formerly Invitae), Labcorp
Classification: Uncertain significance for Glycogen storage disease due to muscle beta-enolase deficiency. Last evaluated: 2022-05-25. Review status: criteria provided, single submitter. Criteria: Invitae Variant Classification Sherloc (09022015). Collection method: clinical testing. Allele origin: germline.
Comment: In summary, the available evidence is currently insufficient to determine the role of this variant in disease. Therefore, it has been classified as a Variant of Uncertain Significance. Algorithms developed to predict the effect of missense changes on protein structure and function are either unavailable or do not agree on the potential impact of this missense change (SIFT: "Deleterious"; PolyPhen-2: "Probably Damaging"; Align-GVGD: "Class C15"). This variant has not been reported in the literature in individuals affected with ENO3-related conditions. This variant is present in population databases (rs772780015, gnomAD 0.1%). This sequence change replaces aspartic acid, which is acidic and polar, with tyrosine, which is neutral and polar, at codon 258 of the ENO3 protein (p.Asp258Tyr).

NM_053013.4(ENO3):c.772G>T (p.Asp258Tyr)

Gene: ENO3 (enolase 3; plus strand). Cytogenetic location: 17p13.2.
Variant type: single nucleotide variant.
Coding change: c.772G>T on transcript NM_053013.4 (MANE Select); coding-DNA position 772, G replaced by T.
Protein change: p.Asp258Tyr; replaces aspartic acid 258 with tyrosine.
Molecular consequence: missense variant.
Genome position (GRCh38, 1-based): chr17:4,955,511, G>T. VCF-style: chr17-4955511-G-T. GRCh37 (hg19) VCF-style: chr17-4858806-G-T.
Other names: c.643G>T, p.Asp215Tyr (NM_001193503.2); c.772G>T, p.Asp258Tyr (NM_001374523.1, NM_001976.5); c.799G>T, p.Asp267Tyr (NM_001374524.1); c.772G>T (NM_053013.3); short protein forms D258Y, D215Y, D267Y.
Identifiers: ClinVar variation 2058339 (VCV002058339.5), dbSNP rs772780015, ClinGen allele CA8316425.